The following is an entry in ClinVar:

NM_001035.3(RYR2):c.13957-7C>T

Gene: RYR2 (ryanodine receptor 2; plus strand). Cytogenetic location: 1q43.
Variant type: single nucleotide variant.
Coding change: c.13957-7C>T on transcript NM_001035.3 (MANE Select); 7 bases into the intron before coding-DNA position 13957, C replaced by T.
Molecular consequence: intron variant.
Genome position (GRCh38, 1-based): chr1:237,798,030, C>T. VCF-style: chr1-237798030-C-T. GRCh37 (hg19) VCF-style: chr1-237961330-C-T.
Identifiers: ClinVar variation 1320788 (VCV001320788.6), dbSNP rs1659470496, ClinGen allele CA2573051533.

ClinVar aggregate classification (germline): Conflicting classifications of pathogenicity. Review status: criteria provided, conflicting classifications (1 of 4 stars). 3 submissions from 3 submitters: Uncertain significance (1); Likely benign (2). Last evaluated 2025-07-19.

Conditions:
Catecholaminergic polymorphic ventricular tachycardia 1. Also called: RYR2-Related Catecholaminergic Polymorphic Ventricular Tachycardia; VENTRICULAR TACHYCARDIA, STRESS-INDUCED POLYMORPHIC 1; VENTRICULAR TACHYCARDIA, CATECHOLAMINERGIC POLYMORPHIC, 1, WITH OR WITHOUT ATRIAL DYSFUNCTION AND/OR DILATED CARDIOMYOPATHY. Identifiers: Orphanet 3286, MedGen C1631597, MONDO:0011484, OMIM 604772.

gnomAD v4.1: 7 of 1,607,582 alleles (0.00044%); highest among the groups gnomAD compares: Non-Finnish European, 0.00059%; no homozygotes.

Submissions (3):

Labcorp Genetics (formerly Invitae), Labcorp
Classification: Likely benign for Catecholaminergic polymorphic ventricular tachycardia 1. Last evaluated: 2025-07-19. Review status: criteria provided, single submitter. Criteria: Invitae Variant Classification Sherloc (09022015). Collection method: clinical testing. Allele origin: germline.

Blueprint Genetics
Classification: Likely benign. Last evaluated: 2024-11-18. Review status: criteria provided, single submitter. Criteria: ACMG Guidelines, 2015. Collection method: clinical testing. Allele origin: germline.

GeneDx
Classification: Uncertain significance. Last evaluated: 2020-12-09. Review status: criteria provided, single submitter. Criteria: GeneDx Variant Classification Process June 2021. Collection method: clinical testing. Allele origin: germline. Affected: yes.
Comment: Has not been previously published as pathogenic or benign to our knowledge; Not observed in large population cohorts (Lek et al., 2016); In silico analysis, which includes splice predictors and evolutionary conservation, suggests this variant may impact gene splicing. In the absence of RNA/functional studies, the actual effect of this sequence change is unknown.; The majority of pathogenic variants in RYR2 are missense changes (Stenson et al., 2014)